The following is an entry in ClinVar:

NM_002693.3(POLG):c.3424C>T (p.Arg1142Trp)

Gene: POLG (DNA polymerase gamma, catalytic subunit; minus strand). Cytogenetic location: 15q26.1.
Variant type: single nucleotide variant.
Coding change: c.3424C>T on transcript NM_002693.3 (MANE Select); coding-DNA position 3424, C replaced by T.
Protein change: p.Arg1142Trp; replaces arginine 1142 with tryptophan.
Molecular consequence: missense variant.
Genome position (GRCh38, 1-based): chr15:89,318,599, G>A on the plus strand (C>T on the coding strand, the complement: POLG is on the minus strand). VCF-style: chr15-89318599-G-A. GRCh37 (hg19) VCF-style: chr15-89861830-G-A.
Other names: c.3424C>T, p.Arg1142Trp (NM_001126131.2); short protein forms R1142W.
Identifiers: ClinVar variation 21311 (VCV000021311.19), dbSNP rs2307442, ClinGen allele CA341884.

ClinVar aggregate classification (germline): Uncertain significance. Review status: criteria provided, multiple submitters, no conflicts (2 of 4 stars). 6 submissions from 6 submitters: Uncertain significance (5). 1 of the submissions does not count toward it. Last evaluated 2026-01-18.

Conditions:
POLG-related disorder. Also called: POLG-related condition; POLG-Related Disorders; POLG-Related Spectrum Disorders. Identifiers: MedGen C4763519.
Progressive sclerosing poliodystrophy (MTDPS4A). Also called: Alpers Syndrome; Mitochondrial DNA Depletion Syndrome 4A; NEURONAL DEGENERATION OF CHILDHOOD WITH LIVER DISEASE, PROGRESSIVE; Mitochondrial DNA depletion syndrome 4A (Alpers type); ALPERS PROGRESSIVE INFANTILE POLIODYSTROPHY; Alpers-Huttenlocher Syndrome (AHS). Identifiers: Orphanet 726, MedGen C0205710, MONDO:0008758, OMIM 203700.

Allele frequency attached by ClinVar (database versions not stated): ExAC 0.00004; gnomAD exomes 0.00004 and 0.00003; TOPMed 0.00007; gnomAD 0.00008; 1000 Genomes Project 30x 0.00016; 1000 Genomes Project 0.00020.
gnomAD v4.1: 51 of 1,614,112 alleles (0.0032%); highest among the groups gnomAD compares: African/African-American, 0.031%; no homozygotes.

Submissions (6):

Labcorp Genetics (formerly Invitae), Labcorp
Classification: Uncertain significance for Progressive sclerosing poliodystrophy. Last evaluated: 2026-01-18. Review status: criteria provided, single submitter. Criteria: Invitae Variant Classification Sherloc (09022015). Collection method: clinical testing. Allele origin: germline.
Comment: This sequence change replaces arginine, which is basic and polar, with tryptophan, which is neutral and slightly polar, at codon 1142 of the POLG protein (p.Arg1142Trp). This variant is present in population databases (rs2307442, gnomAD 0.05%). This variant has not been reported in the literature in individuals affected with POLG-related conditions. ClinVar contains an entry for this variant (Variation ID: 21311). Invitae Evidence Modeling of protein sequence and biophysical properties (such as structural, functional, and spatial information, amino acid conservation, physicochemical variation, residue mobility, and thermodynamic stability) has been performed for this missense variant. However, the output from this modeling did not meet the statistical confidence thresholds required to predict the impact of this variant on POLG protein function. In summary, the available evidence is currently insufficient to determine the role of this variant in disease. Therefore, it has been classified as a Variant of Uncertain Significance.

Women's Health and Genetics/Laboratory Corporation of America, LabCorp
Classification: Uncertain significance. Last evaluated: 2025-09-11. Review status: criteria provided, single submitter. Criteria: LabCorp Variant Classification Summary - May 2015. Collection method: clinical testing. Allele origin: germline.
Comment: Variant summary: POLG c.3424C>T (p.Arg1142Trp) results in a non-conservative amino acid change located in the palm domain (IPR047580) of the encoded protein sequence. Algorithms developed to predict the effect of missense changes on protein structure and function all suggest that this variant is likely to be disruptive. The variant allele was found at a frequency of 4.4e-05 in 251404 control chromosomes (gnomAD). This frequency is not significantly higher than estimated for disease-causing variants in POLG, allowing no conclusion about variant significance. To our knowledge, no occurrence of c.3424C>T in individuals affected with POLG-related conditions has been reported. One publication reported experimental evidence investigating an impact on protein function in the yeast homologue, however this variant is located to a moderately conserved region (different between yeast and human), therefore this study does not allow convincing conclusions about the variant effect (Baruffini_2015). The following publication has been ascertained in the context of this evaluation (PMID: 25462018). ClinVar contains an entry for this variant (Variation ID: 21311). Based on the evidence outlined above, the variant was classified as uncertain significance.

GeneDx
Classification: Uncertain significance. Last evaluated: 2025-08-05. Review status: criteria provided, single submitter. Criteria: GeneDx Variant Classification Process June 2021. Collection method: clinical testing. Allele origin: germline. Affected: yes.
Comment: In silico analysis supports that this missense variant has a deleterious effect on protein structure/function; Has not been previously reported as a pathogenic or benign germline variant to our knowledge; This variant is associated with the following publications: (PMID: 19275594, 17067213, 15913923, 20301791, 25462018)

Eurofins Ntd Llc (ga)
Classification: Uncertain significance. Last evaluated: 2018-08-10. Review status: criteria provided, single submitter. Criteria: EGL ClinVar v180209 classification definitions. Collection method: clinical testing. Allele origin: germline. Observed: 1 variant allele, 1 heterozygote.

Illumina Laboratory Services, Illumina
Classification: Uncertain significance for POLG-Related Spectrum Disorders. Last evaluated: 2017-11-21. Review status: criteria provided, single submitter. Criteria: ICSL Variant Classification Criteria 13 December 2019. Collection method: clinical testing. Allele origin: germline.
Comment: This variant was observed as part of a predisposition screen in an ostensibly healthy population. A literature search was performed for the gene, cDNA change, and amino acid change (where applicable). Publications were found based on this search. However, the evidence from the literature, in combination with allele frequency data from public databases where available, was not sufficient to rule this variant in or out of causing disease. Therefore, this variant is classified as a variant of unknown significance.

PreventionGenetics, part of Exact Sciences
Classification: Uncertain significance for POLG-related condition. Last evaluated: 2024-01-26. Review status: no assertion criteria provided. Collection method: clinical testing. Allele origin: germline. Not counted in ClinVar's aggregate classification.
Comment: The POLG c.3424C>T variant is predicted to result in the amino acid substitution p.Arg1142Trp. To our knowledge, this variant has not been reported in the literature. This variant is reported in 0.044% of alleles in individuals of African descent in gnomAD. At this time, the clinical significance of this variant is uncertain due to the absence of conclusive functional and genetic evidence.

Literature cited by the submitters: PubMed 25462018 (cited by Women's Health and Genetics/Laboratory Corporation of America, LabCorp and Illumina Laboratory Services, Illumina); PubMed 19275594 (cited by Illumina Laboratory Services, Illumina); PubMed 17067213 (cited by Illumina Laboratory Services, Illumina); PubMed 15913923 (cited by Illumina Laboratory Services, Illumina).